The following is an entry in ClinVar:

NM_005219.5(DIAPH1):c.2345C>T (p.Pro782Leu)

Gene: DIAPH1 (diaphanous related formin 1; minus strand). Cytogenetic location: 5q31.3.
Variant type: single nucleotide variant.
Coding change: c.2345C>T on transcript NM_005219.5 (MANE Select); coding-DNA position 2345, C replaced by T.
Protein change: p.Pro782Leu; replaces proline 782 with leucine.
Molecular consequence: missense variant.
Genome position (GRCh38, 1-based): chr5:141,573,505, G>A on the plus strand (C>T on the coding strand, the complement: DIAPH1 is on the minus strand). VCF-style: chr5-141573505-G-A. GRCh37 (hg19) VCF-style: chr5-140953072-G-A.
Other names: c.2318C>T, p.Pro773Leu (NM_001079812.3); c.2345C>T, p.Pro782Leu (NM_001314007.2); short protein forms P773L, P782L.
Identifiers: ClinVar variation 4789081 (VCV004789081.1).
Genomic context (GRCh38, chr5:141,573,505, plus strand): 5'-AAAAAAAAAAAAGATTGACTGGTGAAGAAATAGACAGAAACTCTTACCTTGGACCAGTTT[G>A]GCCTCCGGAGCTGCACCTCTGGCTTATAAAGCTTTTTGGGGGTTAATCCAAATGGCAGAA-3'
Protein context (NP_005210.3, residues 772-792): LYKPEVQLRR[Pro782Leu]NWSKLVAEDL

ClinVar aggregate classification (germline): Uncertain significance (1 of 4 stars; one submission).

Conditions:
Autosomal dominant nonsyndromic hearing loss 1. Also called: KONIGSMARK SYNDROME; DEAFNESS, AUTOSOMAL DOMINANT 1, WITH OR WITHOUT THROMBOCYTOPENIA. Identifiers: Orphanet 90635, MedGen C1852282, MONDO:0007424, OMIM 124900.
Progressive microcephaly-seizures-cortical blindness-developmental delay syndrome. Also called: Seizures, cortical blindness, and microcephaly syndrome. Identifiers: Orphanet 477814, MedGen C5567650, MONDO:0014714, OMIM 616632.

Submission:

Labcorp Genetics (formerly Invitae), Labcorp
Classification: Uncertain significance for Progressive microcephaly-seizures-cortical blindness-developmental delay syndrome; Autosomal dominant nonsyndromic hearing loss 1. Last evaluated: 2025-07-21. Review status: criteria provided, single submitter. Criteria: Invitae Variant Classification Sherloc (09022015). Collection method: clinical testing. Allele origin: germline.
Comment: This sequence change replaces proline, which is neutral and non-polar, with leucine, which is neutral and non-polar, at codon 782 of the DIAPH1 protein (p.Pro782Leu). This variant is not present in population databases (gnomAD no frequency). This variant has not been reported in the literature in individuals affected with DIAPH1-related conditions. An algorithm developed to predict the effect of missense changes on protein structure and function (PolyPhen-2) suggests that this variant is likely to be tolerated. In summary, the available evidence is currently insufficient to determine the role of this variant in disease. Therefore, it has been classified as a Variant of Uncertain Significance.